The following is an entry in ClinVar:

ClinVar aggregate classification (germline): Likely benign (1 of 4 stars; one submission).

gnomAD v4.1: 44 of 1,613,482 alleles (0.0027%); highest among the groups gnomAD compares: Non-Finnish European, 0.0036%; no homozygotes.

Submission:

CeGaT Center for Human Genetics Tuebingen
Classification: Likely benign. Last evaluated: 2026-08-01. Review status: criteria provided, single submitter. Criteria: CeGaT Center For Human Genetics Tuebingen Variant Classification Criteria Version 2. Collection method: clinical testing. Allele origin: germline. Affected: yes. Observed: 1 variant allele.
Comment: NOTCH3: BP4, BP7

NM_000435.3(NOTCH3):c.5640C>T (p.Val1880=)

Gene: NOTCH3 (notch receptor 3; minus strand). Cytogenetic location: 19p13.12.
Variant type: single nucleotide variant.
Coding change: c.5640C>T on transcript NM_000435.3 (MANE Select); coding-DNA position 5640, C replaced by T.
Protein change: p.Val1880=; no amino-acid change (valine 1880 retained).
Molecular consequence: synonymous variant.
Genome position (GRCh38, 1-based): chr19:15,165,814, G>A on the plus strand (C>T on the coding strand, the complement: NOTCH3 is on the minus strand). VCF-style: chr19-15165814-G-A. GRCh37 (hg19) VCF-style: chr19-15276625-G-A.
Identifiers: ClinVar variation 5039243 (VCV005039243.1).
Genomic context (GRCh38, chr19:15,165,814, plus strand): 5'-AGCTCTGAGGTCCAAAGTGTGTGCCTATCTCACCTGGAAGACACCCTGGGCATCGGCTGT[G>A]ACAGCTGTGTGCAGGGGAGTGCGGCCTGAGTGGTCCTGGGCATTGGTGTCTGCCCCAGCA-3'
Protein context (NP_000426.2, residues 1870-1890): HSGRTPLHTA[Val1880=]TADAQGVFQI